The following is an entry in ClinVar:

ClinVar aggregate classification (germline): Uncertain significance. Review status: criteria provided, multiple submitters, no conflicts (2 of 4 stars). 2 submissions from 2 submitters: Uncertain significance (2). Last evaluated 2024-12-30.

Submissions (2):

Labcorp Genetics (formerly Invitae), Labcorp
Classification: Uncertain significance. Last evaluated: 2024-12-30. Review status: criteria provided, single submitter. Criteria: Invitae Variant Classification Sherloc (09022015). Collection method: clinical testing. Allele origin: germline.
Comment: This sequence change replaces alanine, which is neutral and non-polar, with threonine, which is neutral and polar, at codon 59 of the CACNA1D protein (p.Ala59Thr). This variant is not present in population databases (gnomAD no frequency). This variant has not been reported in the literature in individuals affected with CACNA1D-related conditions. An algorithm developed to predict the effect of missense changes on protein structure and function (PolyPhen-2) suggests that this variant is likely to be disruptive. In summary, the available evidence is currently insufficient to determine the role of this variant in disease. Therefore, it has been classified as a Variant of Uncertain Significance.

GeneDx
Classification: Uncertain significance. Last evaluated: 2024-08-08. Review status: criteria provided, single submitter. Criteria: GeneDx Variant Classification Process June 2021. Collection method: clinical testing. Allele origin: germline. Affected: yes.
Comment: Not observed at significant frequency in large population cohorts (gnomAD); In silico analysis indicates that this missense variant does not alter protein structure/function; Has not been previously published as pathogenic or benign to our knowledge

NM_001128840.3(CACNA1D):c.175G>A (p.Ala59Thr)

Gene: CACNA1D (calcium voltage-gated channel subunit alpha1 D; plus strand). Cytogenetic location: 3p21.1.
Variant type: single nucleotide variant.
Coding change: c.175G>A on transcript NM_001128840.3 (MANE Select); coding-DNA position 175, G replaced by A.
Protein change: p.Ala59Thr; replaces alanine 59 with threonine.
Molecular consequence: missense variant.
Genome position (GRCh38, 1-based): chr3:53,497,259, G>A. VCF-style: chr3-53497259-G-A. GRCh37 (hg19) VCF-style: chr3-53531286-G-A.
Other names: c.175G>A, p.Ala59Thr (NM_000720.4, NM_001128839.3); short protein forms A59T.
Identifiers: ClinVar variation 3603033 (VCV003603033.2).
Genomic context (GRCh38, chr3:53,497,259, plus strand): 5'-CCAACTTCTCAGCCGAATAGCTCCAAGCAAACTGTCCTGTCTTGGCAAGCTGCAATCGAT[G>A]CTGCTAGACAGGCCAAGGCTGCCCAAACTATGAGCACCTCTGCACCCCCACCTGTAGGAT-3'
Protein context (NP_001122312.1, residues 49-69): TVLSWQAAID[Ala59Thr]ARQAKAAQTM